The following is an entry in ClinVar:

NM_020191.4(MRPS22):c.455A>G (p.Glu152Gly)

Gene: MRPS22 (mitochondrial ribosomal protein S22; plus strand). Cytogenetic location: 3q23.
Variant type: single nucleotide variant.
Coding change: c.455A>G on transcript NM_020191.4 (MANE Select); coding-DNA position 455, A replaced by G.
Protein change: p.Glu152Gly; replaces glutamic acid 152 with glycine.
Molecular consequence: missense variant.
Genome position (GRCh38, 1-based): chr3:139,348,275, A>G. VCF-style: chr3-139348275-A-G. GRCh37 (hg19) VCF-style: chr3-139067117-A-G.
Other names: p.Glu152Gly; c.332A>G, p.Glu111Gly (NM_001363857.1); c.452A>G, p.Glu151Gly (NM_001363893.1); short protein forms E151G, E152G, E111G.
Identifiers: ClinVar variation 1390398 (VCV001390398.7), dbSNP rs1250398879, ClinGen allele CA354760102.
Genomic context (GRCh38, chr3:139,348,275, plus strand): 5'-TGGAAGAGCGAGTACCAATAAATGATGTGTTAGCTGAAGATAAGATTTTGGAAGGAACAG[A>G]AACAACCAAATATGTGTTTACTGATATATCATATAGCATACCACACCGGGTGAGTATATG-3'
Protein context (NP_064576.1, residues 142-162): LAEDKILEGT[Glu152Gly]TTKYVFTDIS

ClinVar aggregate classification (germline): Uncertain significance. Review status: criteria provided, multiple submitters, no conflicts (2 of 4 stars). 2 submissions from 2 submitters: Uncertain significance (2). Last evaluated 2024-10-11.

Allele frequency attached by ClinVar (database versions not stated): gnomAD 0.00001.
gnomAD v4.1: 2 of 1,614,032 alleles (0.00012%); highest among the groups gnomAD compares: African/African-American, 0.0027%; no homozygotes.

Submissions (2):

Mayo Clinic Laboratories, Mayo Clinic
Classification: Uncertain significance. Last evaluated: 2024-10-11. Review status: criteria provided, single submitter. Criteria: ACMG Guidelines, 2015. Collection method: clinical testing. Allele origin: germline. Observed: 1 variant allele.

Labcorp Genetics (formerly Invitae), Labcorp
Classification: Uncertain significance. Last evaluated: 2022-08-16. Review status: criteria provided, single submitter. Criteria: Invitae Variant Classification Sherloc (09022015). Collection method: clinical testing. Allele origin: germline.
Comment: Algorithms developed to predict the effect of missense changes on protein structure and function are either unavailable or do not agree on the potential impact of this missense change (SIFT: "Deleterious"; PolyPhen-2: "Probably Damaging"; Align-GVGD: "Class C0"). In summary, the available evidence is currently insufficient to determine the role of this variant in disease. Therefore, it has been classified as a Variant of Uncertain Significance. ClinVar contains an entry for this variant (Variation ID: 1390398). This variant has not been reported in the literature in individuals affected with MRPS22-related conditions. This variant is present in population databases (no rsID available, gnomAD 0.01%). This sequence change replaces glutamic acid, which is acidic and polar, with glycine, which is neutral and non-polar, at codon 152 of the MRPS22 protein (p.Glu152Gly).